The following is an entry in ClinVar:

NM_018941.4(CLN8):c.274C>G (p.His92Asp)

Gene: CLN8 (CLN8 transmembrane ER and ERGIC protein; plus strand). Cytogenetic location: 8p23.3.
Variant type: single nucleotide variant.
Coding change: c.274C>G on transcript NM_018941.4 (MANE Select); coding-DNA position 274, C replaced by G.
Protein change: p.His92Asp; replaces histidine 92 with aspartic acid.
Molecular consequence: missense variant.
Genome position (GRCh38, 1-based): chr8:1,771,328, C>G. VCF-style: chr8-1771328-C-G. GRCh37 (hg19) VCF-style: chr8-1719494-C-G.
Other names: short protein forms H92D.
Identifiers: ClinVar variation 834230 (VCV000834230.7), dbSNP rs34030778, ClinGen allele CA369953218.
Genomic context (GRCh38, chr8:1,771,328, plus strand): 5'-GTCTTTGGTGTTCAGAGCACAGCCGCAGGCCTGTGGGCTCTGCTGGGGGACCCTGTGCTG[C>G]ATGCCGACAAGGCGCGTGGCCAGCAGAACTGGTGCTGGTTTCACATCACGACAGCAACGG-3'
Protein context (NP_061764.2, residues 82-102): LWALLGDPVL[His92Asp]ADKARGQQNW

ClinVar aggregate classification (germline): Uncertain significance (1 of 4 stars; one submission).

Conditions:
Neuronal ceroid lipofuscinosis. Also called: Neuronal Ceroid Lipofuscinoses. Identifiers: Orphanet 216, Orphanet 79263, MedGen C0027877, MONDO:0016295. Disease mechanism: loss of function.

gnomAD v4.1: 2 of 1,614,194 alleles (0.00012%); highest among the groups gnomAD compares: Non-Finnish European, 0.00017%; no homozygotes.

Submission:

Labcorp Genetics (formerly Invitae), Labcorp
Classification: Uncertain significance for Neuronal ceroid lipofuscinosis. Last evaluated: 2022-08-19. Review status: criteria provided, single submitter. Criteria: Invitae Variant Classification Sherloc (09022015). Collection method: clinical testing. Allele origin: germline.
Comment: This sequence change replaces histidine, which is basic and polar, with aspartic acid, which is acidic and polar, at codon 92 of the CLN8 protein (p.His92Asp). In summary, the available evidence is currently insufficient to determine the role of this variant in disease. Therefore, it has been classified as a Variant of Uncertain Significance. Advanced modeling of protein sequence and biophysical properties (such as structural, functional, and spatial information, amino acid conservation, physicochemical variation, residue mobility, and thermodynamic stability) performed at Invitae indicates that this missense variant is not expected to disrupt CLN8 protein function. ClinVar contains an entry for this variant (Variation ID: 834230). This variant has not been reported in the literature in individuals affected with CLN8-related conditions. This variant is not present in population databases (gnomAD no frequency).